The following is an entry in ClinVar:

ClinVar aggregate classification (germline): Uncertain significance (1 of 4 stars; one submission).

gnomAD v4.1: 1 of 1,606,884 alleles (0.000062%); highest among the groups gnomAD compares: Non-Finnish European, 0.000085%; no homozygotes.

Submission:

GeneDx
Classification: Uncertain significance. Last evaluated: 2024-06-14. Review status: criteria provided, single submitter. Criteria: GeneDx Variant Classification Process June 2021. Collection method: clinical testing. Allele origin: germline. Affected: yes.
Comment: Not observed at significant frequency in large population cohorts (gnomAD); In silico analysis indicates that this missense variant does not alter protein structure/function; Has not been previously published as pathogenic or benign to our knowledge

NM_021800.3(DNAJC12):c.324A>C (p.Lys108Asn)

Gene: DNAJC12 (DnaJ heat shock protein family (Hsp40) member C12; minus strand). Cytogenetic location: 10q21.3.
Variant type: single nucleotide variant.
Coding change: c.324A>C on transcript NM_021800.3 (MANE Select); coding-DNA position 324, A replaced by C.
Protein change: p.Lys108Asn; replaces lysine 108 with asparagine.
Molecular consequence: missense variant.
Genome position (GRCh38, 1-based): chr10:67,805,761, T>G on the plus strand (A>C on the coding strand, the complement: DNAJC12 is on the minus strand). VCF-style: chr10-67805761-T-G. GRCh37 (hg19) VCF-style: chr10-69565519-T-G.
Other names: short protein forms K108N.
Identifiers: ClinVar variation 3390761 (VCV003390761.1).